The following is an entry in ClinVar:

ClinVar aggregate classification (germline): Uncertain significance. Review status: criteria provided, multiple submitters, no conflicts (2 of 4 stars). 2 submissions from 2 submitters: Uncertain significance (2). Last evaluated 2022-10-03.

gnomAD v4.1: 2 of 1,550,878 alleles (0.00013%); highest among the groups gnomAD compares: Non-Finnish European, 0.00017%; no homozygotes.

Submissions (2):

Labcorp Genetics (formerly Invitae), Labcorp
Classification: Uncertain significance. Last evaluated: 2022-10-03. Review status: criteria provided, single submitter. Criteria: Invitae Variant Classification Sherloc (09022015). Collection method: clinical testing. Allele origin: germline.
Comment: In summary, the available evidence is currently insufficient to determine the role of this variant in disease. Therefore, it has been classified as a Variant of Uncertain Significance. Advanced modeling of protein sequence and biophysical properties (such as structural, functional, and spatial information, amino acid conservation, physicochemical variation, residue mobility, and thermodynamic stability) has been performed at Invitae for this missense variant, however the output from this modeling did not meet the statistical confidence thresholds required to predict the impact of this variant on EYS protein function. ClinVar contains an entry for this variant (Variation ID: 1058513). This variant has not been reported in the literature in individuals affected with EYS-related conditions. This variant is not present in population databases (gnomAD no frequency). This sequence change replaces leucine, which is neutral and non-polar, with proline, which is neutral and non-polar, at codon 3087 of the EYS protein (p.Leu3087Pro).

Blueprint Genetics
Classification: Uncertain significance. Last evaluated: 2019-07-20. Review status: criteria provided, single submitter. Criteria: ACMG Guidelines, 2015. Collection method: clinical testing. Allele origin: germline.

NM_001142800.2(EYS):c.9260T>C (p.Leu3087Pro)

Genes: EYS (EGF-like photoreceptor maintenance factor; minus strand), PHF3 (PHD finger protein 3; plus strand). Cytogenetic location: 6q12.
Variant type: single nucleotide variant.
Coding change: c.9260T>C on transcript NM_001142800.2 (MANE Select); coding-DNA position 9260, T replaced by C.
Protein change: p.Leu3087Pro; replaces leucine 3087 with proline.
Molecular consequence: missense variant. On other transcripts: 3 prime UTR variant (5).
Genome position (GRCh38, 1-based): chr6:63,720,771, A>G on the plus strand (T>C on the coding strand, the complement: EYS is on the minus strand). VCF-style: chr6-63720771-A-G. GRCh37 (hg19) VCF-style: chr6-64430667-A-G.
Other names: c.*7063A>G (NM_001290259.2, NM_001370348.2, NM_001370349.2 and 2 more transcripts); c.9323T>C, p.Leu3108Pro (NM_001292009.2); short protein forms L3087P, L3108P.
Identifiers: ClinVar variation 1058513 (VCV001058513.10), dbSNP rs1261702937, ClinGen allele CA364382885.